The following is an entry in ClinVar:

NM_031935.3(HMCN1):c.6358G>A (p.Ala2120Thr)

Gene: HMCN1 (hemicentin 1; plus strand). Cytogenetic location: 1q31.1.
Variant type: single nucleotide variant.
Coding change: c.6358G>A on transcript NM_031935.3 (MANE Select); coding-DNA position 6358, G replaced by A.
Protein change: p.Ala2120Thr; replaces alanine 2120 with threonine.
Molecular consequence: missense variant.
Genome position (GRCh38, 1-based): chr1:186,045,741, G>A. VCF-style: chr1-186045741-G-A. GRCh37 (hg19) VCF-style: chr1-186014873-G-A.
Other names: short protein forms A2120T.
Identifiers: ClinVar variation 1408536 (VCV001408536.6), dbSNP rs149209524, ClinGen allele CA1292552.

ClinVar aggregate classification (germline): Uncertain significance (1 of 4 stars; one submission).

Allele frequency attached by ClinVar (database versions not stated): gnomAD exomes 0.00001 and 0.00003; ExAC 0.00003; gnomAD 0.00003; TOPMed 0.00003; ESP Exome Variant Server 0.00008.
gnomAD v4.1: 11 of 1,613,208 alleles (0.00068%); highest among the groups gnomAD compares: African/African-American, 0.013%; no homozygotes.

Submission:

Labcorp Genetics (formerly Invitae), Labcorp
Classification: Uncertain significance. Last evaluated: 2024-06-24. Review status: criteria provided, single submitter. Criteria: Invitae Variant Classification Sherloc (09022015). Collection method: clinical testing. Allele origin: germline.
Comment: This sequence change replaces alanine, which is neutral and non-polar, with threonine, which is neutral and polar, at codon 2120 of the HMCN1 protein (p.Ala2120Thr). This variant is present in population databases (rs149209524, gnomAD 0.03%). This variant has not been reported in the literature in individuals affected with HMCN1-related conditions. ClinVar contains an entry for this variant (Variation ID: 1408536). Algorithms developed to predict the effect of missense changes on protein structure and function output the following: SIFT: "Not Available"; PolyPhen-2: "Benign"; Align-GVGD: "Not Available". The threonine amino acid residue is found in multiple mammalian species, which suggests that this missense change does not adversely affect protein function. In summary, the available evidence is currently insufficient to determine the role of this variant in disease. Therefore, it has been classified as a Variant of Uncertain Significance.